The following is an entry in ClinVar:

ClinVar aggregate classification (germline): Benign. Review status: criteria provided, multiple submitters, no conflicts (2 of 4 stars). 3 submissions from 3 submitters: Benign (2). 1 of the submissions does not count toward it. Last evaluated 2025-09-13.

Conditions:
ROBO1-related disorder. Also called: ROBO1-related condition.

Allele frequency attached by ClinVar (database versions not stated): gnomAD exomes 0.00048; ExAC 0.00058; ESP Exome Variant Server 0.00090; 1000 Genomes Project 30x 0.00094; gnomAD 0.00116 and 0.00118; TOPMed 0.00119; 1000 Genomes Project 0.00120.
gnomAD v4.1: 577 of 1,613,392 alleles (0.036%); highest among the groups gnomAD compares: African/African-American, 0.42%; 5 homozygotes.

Submissions (3):

Labcorp Genetics (formerly Invitae), Labcorp
Classification: Benign. Last evaluated: 2025-09-13. Review status: criteria provided, single submitter. Criteria: Invitae Variant Classification Sherloc (09022015). Collection method: clinical testing. Allele origin: germline.

Breakthrough Genomics
Classification: Benign. Review status: criteria provided, single submitter. Criteria: ACMG Guidelines, 2015. Collection method: not provided. Allele origin: germline. Inheritance: Unknown mechanism. Affected: yes.

PreventionGenetics, part of Exact Sciences
Classification: Likely benign for ROBO1-related condition. Last evaluated: 2021-10-04. Review status: no assertion criteria provided. Collection method: clinical testing. Allele origin: germline. Not counted in ClinVar's aggregate classification.
Comment: This variant is classified as likely benign based on ACMG/AMP sequence variant interpretation guidelines (Richards et al. 2015 PMID: 25741868, with internal and published modifications).

NM_002941.4(ROBO1):c.159G>A (p.Ser53=)

Gene: ROBO1 (roundabout guidance receptor 1; minus strand). Cytogenetic location: 3p12.3.
Variant type: single nucleotide variant.
Coding change: c.159G>A on transcript NM_002941.4 (MANE Select); coding-DNA position 159, G replaced by A.
Protein change: p.Ser53=; no amino-acid change (serine 53 retained).
Molecular consequence: synonymous variant.
Genome position (GRCh38, 1-based): chr3:79,125,469, C>T on the plus strand (G>A on the coding strand, the complement: ROBO1 is on the minus strand). VCF-style: chr3-79125469-C-T. GRCh37 (hg19) VCF-style: chr3-79174619-C-T.
Identifiers: ClinVar variation 723990 (VCV000723990.11), dbSNP rs139237706, ClinGen allele CA2499370.
Genomic context (GRCh38, chr3:79,125,469, plus strand): 5'-GGAGGCATTTCAGGAGGAAGTTAGTATTTGGGAAAGAGACACTCTACCTGTATAGCCCAG[C>T]GAATTGTCATCGTTATCAGAGGTGGGGATTGGCGTCCCGTGGTCGTTCCCCCTCTCTACA-3'
Protein context (NP_002932.1, residues 43-63): PIPTSDNDDN[Ser53=]LGYTGSRLRQ